The following is an entry in ClinVar:

NM_003664.5(AP3B1):c.364C>T (p.Arg122Ter)

Gene: AP3B1 (adaptor related protein complex 3 subunit beta 1; minus strand). Cytogenetic location: 5q14.1.
Variant type: single nucleotide variant.
Coding change: c.364C>T on transcript NM_003664.5 (MANE Select); coding-DNA position 364, C replaced by T.
Protein change: p.Arg122Ter; replaces arginine 122 with a stop codon.
Molecular consequence: nonsense.
Genome position (GRCh38, 1-based): chr5:78,228,155, G>A on the plus strand (C>T on the coding strand, the complement: AP3B1 is on the minus strand). VCF-style: chr5-78228155-G-A. GRCh37 (hg19) VCF-style: chr5-77523979-G-A.
Other names: c.217C>T, p.Arg73Ter (NM_001271769.2); c.364C>T, p.Arg122Ter (NM_001410752.1); short protein forms R122*, R73*.
Identifiers: ClinVar variation 2503438 (VCV002503438.4), dbSNP rs776590274, ClinGen allele CA3317385.

ClinVar aggregate classification (germline): Pathogenic. Review status: criteria provided, single submitter (1 of 4 stars). 2 submissions from 2 submitters: Pathogenic (1). 1 of the submissions does not count toward it. Last evaluated 2024-04-30.

Conditions:
Hermansky-Pudlak syndrome 2 (HPS2). Also called: Platelet defects and oculocutaneous albinism. Identifiers: Orphanet 183678, Orphanet 79430, MedGen C1842362, MONDO:0011997, OMIM 608233.

Allele frequency attached by ClinVar (database versions not stated): ExAC 0.00001; gnomAD 0.00001; gnomAD exomes 0.00001; TOPMed 0.00001.
gnomAD v4.1: 14 of 1,601,946 alleles (0.00087%); highest among the groups gnomAD compares: Non-Finnish European, 0.0012%; no homozygotes.

Submissions (2):

Labcorp Genetics (formerly Invitae), Labcorp
Classification: Pathogenic for Hermansky-Pudlak syndrome 2. Last evaluated: 2024-04-30. Review status: criteria provided, single submitter. Criteria: Invitae Variant Classification Sherloc (09022015). Collection method: clinical testing. Allele origin: germline.
Comment: This sequence change creates a premature translational stop signal (p.Arg122*) in the AP3B1 gene. It is expected to result in an absent or disrupted protein product. Loss-of-function variants in AP3B1 are known to be pathogenic (PMID: 16507770, 23403622). The frequency data for this variant in the population databases is considered unreliable, as metrics indicate poor data quality at this position in the gnomAD database. This variant has not been reported in the literature in individuals affected with AP3B1-related conditions. ClinVar contains an entry for this variant (Variation ID: 2503438). For these reasons, this variant has been classified as Pathogenic.

Clinical Laboratory Sciences Program (CLSP), King Saud bin Abdulaziz University for Health Sciences (KSAU-HS)
Classification: Likely pathogenic for Hermansky-Pudlak syndrome 2. Last evaluated: 2023-04-01. Review status: no assertion criteria provided. Collection method: clinical testing. Allele origin: germline. Affected: yes. Not counted in ClinVar's aggregate classification.

Literature cited by the submitters: PubMed 16507770 (cited by Labcorp Genetics (formerly Invitae), Labcorp); PubMed 23403622 (cited by Labcorp Genetics (formerly Invitae), Labcorp).